The following is an entry in ClinVar:

ClinVar aggregate classification (germline): Conflicting classifications of pathogenicity. Review status: criteria provided, conflicting classifications (1 of 4 stars). 4 submissions from 4 submitters: Uncertain significance (2); Likely benign (1). 1 of the submissions does not count toward it. Last evaluated 2026-01-26.

Conditions:
Behcet disease (BD). Also called: Behcet's syndrome; Behcet Syndrome. Identifiers: Orphanet 117, MedGen C0004943, MONDO:0007191, OMIM 109650, MeSH D001528.
TNF receptor-associated periodic fever syndrome (TRAPS) (FPF). Also called: Autosomal Dominant Familial Periodic Fever; TNF RECEPTOR-ASSOCIATED PERIODIC SYNDROME; TUMOR NECROSIS FACTOR RECEPTOR-ASSOCIATED PERIODIC SYNDROME; TNF receptor 1-associated periodic fever syndrome; TNF Receptor-Associated Periodic Fever Syndrome; FAMILIAL HIBERNIAN FEVER. Identifiers: Orphanet 32960, MedGen C1275126, MONDO:0007727, OMIM 142680.

Allele frequency attached by ClinVar (database versions not stated): gnomAD exomes 0.00003; ExAC 0.00004; TOPMed 0.00009; gnomAD 0.00010 and 0.00011.
gnomAD v4.1: 102 of 1,613,612 alleles (0.0063%); highest among the groups gnomAD compares: Non-Finnish European, 0.0077%; no homozygotes.

Submissions (4):

Labcorp Genetics (formerly Invitae), Labcorp
Classification: Likely benign for TNF receptor-associated periodic fever syndrome (TRAPS). Last evaluated: 2026-01-26. Review status: criteria provided, single submitter. Criteria: Invitae Variant Classification Sherloc (09022015). Collection method: clinical testing. Allele origin: germline.

CeGaT Center for Human Genetics Tuebingen
Classification: Uncertain significance. Last evaluated: 2022-12-01. Review status: criteria provided, single submitter. Criteria: CeGaT Center For Human Genetics Tuebingen Variant Classification Criteria Version 2. Collection method: clinical testing. Allele origin: germline. Affected: yes. Observed: 2 variant alleles.
Comment: TNFRSF1A: PM5, PP4, BP4

GeneDx
Classification: Uncertain significance. Last evaluated: 2020-11-18. Review status: criteria provided, single submitter. Criteria: GeneDx Variant Classification Process June 2021. Collection method: clinical testing. Allele origin: germline. Affected: yes.
Comment: In silico analysis supports that this missense variant does not alter protein structure/function; Has not been previously published as pathogenic or benign to our knowledge

Department of Immunology, Hospital Universitario Virgen del Rocio
Classification: Pathogenic for Behcet disease. Last evaluated: 2017-06-25. Review status: no assertion criteria provided. Collection method: case-control. Allele origin: germline. Affected: yes. Observed: 1 variant allele, 1 heterozygote. Not counted in ClinVar's aggregate classification.

NM_001065.4(TNFRSF1A):c.596T>C (p.Ile199Thr)

Gene: TNFRSF1A (TNF receptor superfamily member 1A; minus strand). Cytogenetic location: 12p13.31.
Variant type: single nucleotide variant.
Coding change: c.596T>C on transcript NM_001065.4 (MANE Select); coding-DNA position 596, T replaced by C.
Protein change: p.Ile199Thr; replaces isoleucine 199 with threonine.
Molecular consequence: missense variant.
Genome position (GRCh38, 1-based): chr12:6,330,882, A>G on the plus strand (T>C on the coding strand, the complement: TNFRSF1A is on the minus strand). VCF-style: chr12-6330882-A-G. GRCh37 (hg19) VCF-style: chr12-6440048-A-G.
Other names: TNFRSF1A; c.272T>C, p.Ile91Thr (NM_001346091.2); c.137T>C, p.Ile46Thr (NM_001346092.2); short protein forms I199T, I91T, I46T.
Identifiers: ClinVar variation 234423 (VCV000234423.54), dbSNP rs104895247, ClinGen allele CA6405458.